The following is an entry in ClinVar:

ClinVar aggregate classification (germline): Uncertain significance (1 of 4 stars; one submission).

gnomAD v4.1: 1 of 1,613,498 alleles (0.000062%); highest among the groups gnomAD compares: Non-Finnish European, 0.000085%; no homozygotes.

Submission:

Labcorp Genetics (formerly Invitae), Labcorp
Classification: Uncertain significance. Last evaluated: 2024-04-22. Review status: criteria provided, single submitter. Criteria: Invitae Variant Classification Sherloc (09022015). Collection method: clinical testing. Allele origin: germline.
Comment: This sequence change replaces tryptophan, which is neutral and slightly polar, with arginine, which is basic and polar, at codon 569 of the MBD4 protein (p.Trp569Arg). This variant is not present in population databases (gnomAD no frequency). This variant has not been reported in the literature in individuals affected with MBD4-related conditions. An algorithm developed to predict the effect of missense changes on protein structure and function (PolyPhen-2) suggests that this variant is likely to be disruptive. In summary, the available evidence is currently insufficient to determine the role of this variant in disease. Therefore, it has been classified as a Variant of Uncertain Significance.

NM_001276270.2(MBD4):c.1687T>C (p.Trp563Arg)

Gene: MBD4 (methyl-CpG binding domain 4, DNA glycosylase; minus strand). Cytogenetic location: 3q21.3.
Variant type: single nucleotide variant.
Coding change: c.1687T>C on transcript NM_001276270.2 (MANE Select); coding-DNA position 1687, T replaced by C.
Protein change: p.Trp563Arg; replaces tryptophan 563 with arginine.
Molecular consequence: missense variant. On other transcripts: 3 prime UTR variant (1).
Genome position (GRCh38, 1-based): chr3:129,431,539, A>G on the plus strand (T>C on the coding strand, the complement: MBD4 is on the minus strand). VCF-style: chr3-129431539-A-G. GRCh37 (hg19) VCF-style: chr3-129150382-A-G.
Other names: c.*29T>C (NM_001276272.2); c.751T>C, p.Trp251Arg (NM_001276273.2); c.1705T>C, p.Trp569Arg (NM_003925.3); short protein forms W569R, W563R, W251R.
Identifiers: ClinVar variation 3636582 (VCV003636582.2).